The following is an entry in ClinVar:

NM_001379500.1(COL18A1):c.979C>T (p.Arg327Trp)

Gene: COL18A1 (collagen type XVIII alpha 1 chain; plus strand). Cytogenetic location: 21q22.3.
Variant type: single nucleotide variant.
Coding change: c.979C>T on transcript NM_001379500.1 (MANE Select); coding-DNA position 979, C replaced by T.
Protein change: p.Arg327Trp; replaces arginine 327 with tryptophan.
Molecular consequence: missense variant.
Genome position (GRCh38, 1-based): chr21:45,477,461, C>T. VCF-style: chr21-45477461-C-T. GRCh37 (hg19) VCF-style: chr21-46897375-C-T.
Other names: NM_130445.2:c.979C>T; c.1519C>T, p.Arg507Trp (NM_030582.4); c.2224C>T, p.Arg742Trp (NM_130444.3); short protein forms R327W, R507W, R742W.
Identifiers: ClinVar variation 1312928 (VCV001312928.6), dbSNP rs551388856, ClinGen allele CA10066032.

ClinVar aggregate classification (germline): Conflicting classifications of pathogenicity. Review status: criteria provided, conflicting classifications (1 of 4 stars). 4 submissions from 4 submitters: Uncertain significance (3); Likely benign (1). Last evaluated 2024-11-17.

Allele frequency attached by ClinVar (database versions not stated): gnomAD 0.00002; TOPMed 0.00006; gnomAD exomes 0.00010; ExAC 0.00015.
gnomAD v4.1: 76 of 1,612,526 alleles (0.0047%); highest among the groups gnomAD compares: South Asian, 0.036%; no homozygotes.

Submissions (4):

Blueprint Genetics
Classification: Likely benign. Last evaluated: 2024-11-17. Review status: criteria provided, single submitter. Criteria: ACMG Guidelines, 2015. Collection method: clinical testing. Allele origin: germline.

Women's Health and Genetics/Laboratory Corporation of America, LabCorp
Classification: Uncertain significance. Last evaluated: 2023-08-04. Review status: criteria provided, single submitter. Criteria: LabCorp Variant Classification Summary - May 2015. Collection method: clinical testing. Allele origin: germline.
Comment: Variant summary: COL18A1 c.979C>T (p.Arg327Trp) results in a non-conservative amino acid change in the encoded protein sequence. Three of five in-silico tools predict a benign effect of the variant on protein function. The variant allele was found at a frequency of 0.0001 in 243870 control chromosomes. To our knowledge, no occurrence of c.979C>T in individuals affected with Knobloch Syndrome 1 and no experimental evidence demonstrating its impact on protein function have been reported. Two submitters have cited clinical-significance assessments for this variant to ClinVar after 2014. All submitters classified the variant as uncertain significance. Based on the evidence outlined above, the variant was classified as uncertain significance.

Labcorp Genetics (formerly Invitae), Labcorp
Classification: Uncertain significance. Last evaluated: 2022-08-21. Review status: criteria provided, single submitter. Criteria: Invitae Variant Classification Sherloc (09022015). Collection method: clinical testing. Allele origin: germline.
Comment: This sequence change replaces arginine, which is basic and polar, with tryptophan, which is neutral and slightly polar, at codon 327 of the COL18A1 protein (p.Arg327Trp). This variant is present in population databases (rs551388856, gnomAD 0.05%). This variant has not been reported in the literature in individuals affected with COL18A1-related conditions. ClinVar contains an entry for this variant (Variation ID: 1312928). Algorithms developed to predict the effect of missense changes on protein structure and function output the following: SIFT: "Not Available"; PolyPhen-2: "Not Available"; Align-GVGD: "Not Available". The tryptophan amino acid residue is found in multiple mammalian species, which suggests that this missense change does not adversely affect protein function. In summary, the available evidence is currently insufficient to determine the role of this variant in disease. Therefore, it has been classified as a Variant of Uncertain Significance.

GeneDx
Classification: Uncertain significance. Last evaluated: 2020-07-08. Review status: criteria provided, single submitter. Criteria: GeneDx Variant Classification Process June 2021. Collection method: clinical testing. Allele origin: germline. Affected: yes.
Comment: In silico analysis supports that this missense variant does not alter protein structure/function; Has not been previously published as pathogenic or benign to our knowledge